The following is an entry in ClinVar:

ClinVar aggregate classification (germline): Uncertain significance (1 of 4 stars; one submission).

Allele frequency attached by ClinVar (database versions not stated): TOPMed below 0.00001; gnomAD 0.00001; gnomAD exomes 0.00001.
gnomAD v4.1: 10 of 1,608,176 alleles (0.00062%); highest among the groups gnomAD compares: Non-Finnish European, 0.00085%; no homozygotes.

Submission:

Labcorp Genetics (formerly Invitae), Labcorp
Classification: Uncertain significance. Last evaluated: 2024-07-22. Review status: criteria provided, single submitter. Criteria: Invitae Variant Classification Sherloc (09022015). Collection method: clinical testing. Allele origin: germline.
Comment: This sequence change replaces tyrosine, which is neutral and polar, with cysteine, which is neutral and slightly polar, at codon 4980 of the FAT4 protein (p.Tyr4980Cys). This variant is present in population databases (rs764161332, gnomAD 0.0009%). This variant has not been reported in the literature in individuals affected with FAT4-related conditions. ClinVar contains an entry for this variant (Variation ID: 1967889). An algorithm developed to predict the effect of missense changes on protein structure and function (PolyPhen-2) suggests that this variant is likely to be tolerated. In summary, the available evidence is currently insufficient to determine the role of this variant in disease. Therefore, it has been classified as a Variant of Uncertain Significance.

NM_001291303.3(FAT4):c.14945A>G (p.Tyr4982Cys)

Gene: FAT4 (FAT atypical cadherin 4; plus strand). Cytogenetic location: 4q28.1.
Variant type: single nucleotide variant.
Coding change: c.14945A>G on transcript NM_001291303.3 (MANE Select); coding-DNA position 14945, A replaced by G.
Protein change: p.Tyr4982Cys; replaces tyrosine 4982 with cysteine.
Molecular consequence: missense variant.
Genome position (GRCh38, 1-based): chr4:125,491,761, A>G. VCF-style: chr4-125491761-A-G. GRCh37 (hg19) VCF-style: chr4-126412916-A-G.
Other names: c.14942A>G, p.Tyr4981Cys (NM_001291285.3); c.14939A>G, p.Tyr4980Cys (NM_024582.6); short protein forms Y4980C, Y4982C, Y4981C.
Identifiers: ClinVar variation 1967889 (VCV001967889.5), dbSNP rs764161332, ClinGen allele CA104877049.